The following is an entry in ClinVar:

ClinVar aggregate classification (germline): Pathogenic (1 of 4 stars; one submission).

Conditions:
Nemaline myopathy 2 (NEM2). Also called: Nemaline myopathy 2, autosomal recessive. Identifiers: MedGen C1850569, MONDO:0009725, OMIM 256030.

Submission:

Myriad Genetics, Inc.
Classification: Pathogenic for Nemaline myopathy 2. Last evaluated: 2026-08-21. Review status: criteria provided, single submitter. Criteria: Myriad Autosomal Dominant, Autosomal Recessive and X-Linked Classification Criteria (2023). Collection method: clinical testing. Allele origin: unknown.
Comment: NM_001271208.1(NEB):c.1797_1800delAGAC(K599Nfs*9) is expected to be pathogenic in the context of NEB-related nemaline myopathy. This variant is predicted to lead to an abnormal or absent protein product due to the creation of a premature termination codon in NEB, a gene where loss-of-function variants are known to be pathogenic. Please note: this variant was assessed in the context of healthy population screening.

NM_001164508.2(NEB):c.1797_1800del (p.Lys599fs)

Gene: NEB (nebulin; minus strand). Cytogenetic location: 2q23.3.
Variant type: Deletion.
Coding change: c.1797_1800del on transcript NM_001164508.2 (MANE Select); coding-DNA positions 1797 to 1800, 4 bases deleted (AGAC; older notation c.1797_1800delAGAC).
Protein change: p.Lys599fs; shifts the reading frame from lysine 599.
Molecular consequence: frameshift variant.
Genome position (GRCh38, 1-based): chr2:151,694,419-151,694,422, GTCT deleted on the plus strand (AGAC on the coding strand, the reverse complement: NEB is on the minus strand). VCF-style (leftmost placement, unchanged base first): chr2-151694418-AGTCT-A. GRCh37 (hg19) VCF-style: chr2-152550932-AGTCT-A.
Other names: c.1797_1800del, p.Lys599fs (NM_001164507.2, NM_001271208.2, NM_004543.5); short protein forms K599fs.
Identifiers: ClinVar variation 5016260 (VCV005016260.1).